The following is an entry in ClinVar:

ClinVar aggregate classification (germline): Conflicting classifications of pathogenicity. Review status: criteria provided, conflicting classifications (1 of 4 stars). 9 submissions from 7 submitters: Uncertain significance (7); Likely benign (2). Last evaluated 2025-12-09.

Conditions:
Noonan syndrome 4 (NS4). Also called: SOS1-Related Noonan Syndrome; NOONAN SYNDROME WITH PIGMENTED VILLONODULAR SYNOVITIS. Identifiers: Orphanet 648, MedGen C1853120, MONDO:0012547, OMIM 610733.
Fibromatosis, gingival, 1 (GINGF1). Identifiers: Orphanet 2024, MedGen C4551558, MONDO:0007609, OMIM 135300.
RASopathy. Also called: rasopathies; Noonan spectrum disorder. Identifiers: Orphanet 536391, MedGen C5555857, MONDO:0021060.
SOS1-related disorder. Also called: SOS1-related condition.
Cardiovascular phenotype. Identifiers: MedGen CN230736.

Allele frequency attached by ClinVar (database versions not stated): ExAC 0.00001; gnomAD 0.00001 and 0.00002; TOPMed 0.00001; gnomAD exomes 0.00002.

Submissions (9):

Labcorp Genetics (formerly Invitae), Labcorp
Classification: Likely benign for RASopathy. Last evaluated: 2025-12-09. Review status: criteria provided, single submitter. Criteria: Invitae Variant Classification Sherloc (09022015). Collection method: clinical testing. Allele origin: germline.

PreventionGenetics, part of Exact Sciences
Classification: Uncertain significance for SOS1-related condition. Last evaluated: 2025-09-01. Review status: criteria provided, single submitter. Criteria: ACMG Guidelines, 2015. Collection method: clinical testing. Allele origin: germline.
Comment: The SOS1 c.3592A>G variant is predicted to result in the amino acid substitution p.Ile1198Val. To our knowledge, this variant has not been reported in the literature. This variant is reported in 0.0065% of alleles in individuals of South Asian descent in gnomAD. At this time, the clinical significance of this variant is uncertain due to the absence of conclusive functional and genetic evidence.

Ambry Genetics
Classification: Likely benign for Cardiovascular phenotype. Last evaluated: 2024-07-01. Review status: criteria provided, single submitter. Criteria: Ambry Variant Classification Scheme 2023. Collection method: clinical testing. Allele origin: germline.

Fulgent Genetics
Classification: Uncertain significance for Fibromatosis, gingival, 1; Noonan syndrome 4. Last evaluated: 2022-01-06. Review status: criteria provided, single submitter. Criteria: ACMG Guidelines, 2015. Collection method: clinical testing. Allele origin: unknown.

Revvity Omics, Revvity
Classification: Uncertain significance. Last evaluated: 2021-05-07. Review status: criteria provided, single submitter. Criteria: ACMG Guidelines, 2015. Collection method: clinical testing. Allele origin: germline.

Illumina Laboratory Services, Illumina
Classification: Uncertain significance for Noonan syndrome 4. Last evaluated: 2018-01-13. Review status: criteria provided, single submitter. Criteria: ICSL Variant Classification Criteria 13 December 2019. Collection method: clinical testing. Allele origin: germline.

Illumina Laboratory Services, Illumina
Classification: Uncertain significance for Fibromatosis, gingival, 1. Last evaluated: 2018-01-13. Review status: criteria provided, single submitter. Criteria: ICSL Variant Classification Criteria 13 December 2019. Collection method: clinical testing. Allele origin: germline.

Genome-Nilou Lab
Classification: Uncertain significance for Noonan syndrome 4. Review status: criteria provided, single submitter. Criteria: ACMG Guidelines, 2015. Collection method: clinical testing. Allele origin: germline.

Genome-Nilou Lab
Classification: Uncertain significance for Fibromatosis, gingival, 1. Review status: criteria provided, single submitter. Criteria: ACMG Guidelines, 2015. Collection method: clinical testing. Allele origin: germline.

NM_005633.4(SOS1):c.3592A>G (p.Ile1198Val)

Gene: SOS1 (SOS Ras/Rac guanine nucleotide exchange factor 1; minus strand). Cytogenetic location: 2p22.1.
Variant type: single nucleotide variant.
Coding change: c.3592A>G on transcript NM_005633.4 (MANE Select); coding-DNA position 3592, A replaced by G.
Protein change: p.Ile1198Val; replaces isoleucine 1198 with valine.
Molecular consequence: missense variant.
Genome position (GRCh38, 1-based): chr2:38,986,234, T>C on the plus strand (A>G on the coding strand, the complement: SOS1 is on the minus strand). VCF-style: chr2-38986234-T-C. GRCh37 (hg19) VCF-style: chr2-39213375-T-C.
Other names: c.3571A>G, p.Ile1191Val (NM_001382394.1); c.3547A>G, p.Ile1183Val (NM_001382395.1); short protein forms I1198V, I1191V, I1183V.
Identifiers: ClinVar variation 897740 (VCV000897740.15), dbSNP rs747534810, ClinGen allele CA1624145.
Genomic context (GRCh38, chr2:38,986,234, plus strand): 5'-CTCGTGGTGGTAATAAGGGAGGGCTTTCAGGAGGGTCTGAGATAGAGGTCCGGTCTGATA[T>C]TGAATATCGTGGTGAATAGGCTTTTGATGTGGGTTGCCTAGGAGGAATGGCTGGGGGACT-3'
Protein context (NP_005624.2, residues 1188-1208): TSKAYSPRYS[Ile1198Val]SDRTSISDPP